The following is an entry in ClinVar:

NM_017617.5(NOTCH1):c.3425G>A (p.Cys1142Tyr)

Gene: NOTCH1 (notch receptor 1; minus strand). Cytogenetic location: 9q34.3.
Variant type: single nucleotide variant.
Coding change: c.3425G>A on transcript NM_017617.5 (MANE Select); coding-DNA position 3425, G replaced by A.
Protein change: p.Cys1142Tyr; replaces cysteine 1142 with tyrosine.
Molecular consequence: missense variant.
Genome position (GRCh38, 1-based): chr9:136,508,040, C>T on the plus strand (G>A on the coding strand, the complement: NOTCH1 is on the minus strand). VCF-style: chr9-136508040-C-T. GRCh37 (hg19) VCF-style: chr9-139402492-C-T.
Other names: short protein forms C1142Y.
Identifiers: ClinVar variation 4536444 (VCV004536444.1).

ClinVar aggregate classification (germline): Uncertain significance (1 of 4 stars; one submission).

Submission:

GeneDx
Classification: Uncertain significance. Last evaluated: 2025-06-07. Review status: criteria provided, single submitter. Criteria: GeneDx Variant Classification Process June 2021. Collection method: clinical testing. Allele origin: germline. Affected: yes.
Comment: Not observed at significant frequency in large population cohorts (gnomAD); In silico analysis supports that this missense variant has a deleterious effect on protein structure/function; Has not been previously published as pathogenic or benign to our knowledge